The following is an entry in ClinVar:

NM_000059.4(BRCA2):c.8492T>G (p.Met2831Arg)

Gene: BRCA2 (BRCA2 DNA repair associated; plus strand). Cytogenetic location: 13q13.1.
Variant type: single nucleotide variant.
Coding change: c.8492T>G on transcript NM_000059.4 (MANE Select); coding-DNA position 8492, T replaced by G.
Protein change: p.Met2831Arg; replaces methionine 2831 with arginine.
Molecular consequence: missense variant.
Genome position (GRCh38, 1-based): chr13:32,370,960, T>G. VCF-style: chr13-32370960-T-G. GRCh37 (hg19) VCF-style: chr13-32945097-T-G.
Other names: short protein forms M2831R.
Identifiers: ClinVar variation 822508 (VCV000822508.13), dbSNP rs1384628074, ClinGen allele CA387752666.
Genomic context (GRCh38, chr13:32,370,960, plus strand): 5'-ATTAACTTGAATGTTATATATGTGACTTTTTTGGTGTGTGTAACACATTATTACAGTGGA[T>G]GGAGAAGACATCATCTGGATTATACATATTTCGCAATGAAAGAGAGGAAGAAAAGGAAGC-3'
Protein context (NP_000050.3, residues 2821-2841): IIQRAYPIQW[Met2831Arg]EKTSSGLYIF

ClinVar aggregate classification (germline): Conflicting classifications of pathogenicity. Review status: criteria provided, conflicting classifications (1 of 4 stars). 2 submissions from 2 submitters: Uncertain significance (1); Likely benign (1). Last evaluated 2025-05-15.

Conditions:
Hereditary breast ovarian cancer syndrome. Also called: Hereditary breast and ovarian cancer; Breast and ovarian cancer; Hereditary breast and/or ovarian cancer syndrome; Hereditary breast and ovarian cancer syndrome; BRCA1- and BRCA2-Associated Hereditary Breast and Ovarian Cancer; Hereditary breast and ovarian cancer syndrome (HBOC). Identifiers: Orphanet 145, MedGen C0677776, MeSH D061325, MONDO:0003582. Disease mechanism: loss of function.
Hereditary cancer-predisposing syndrome. Also called: Tumor predisposition; Hereditary Cancer Syndrome; Neoplastic Syndromes, Hereditary; Hereditary neoplastic syndrome. Identifiers: Orphanet 140162, MedGen C0027672, MeSH D009386, MONDO:0015356.

Submissions (2):

Ambry Genetics
Classification: Likely benign for Hereditary cancer-predisposing syndrome. Last evaluated: 2025-05-15. Review status: criteria provided, single submitter. Criteria: Ambry Variant Classification Scheme 2023. Collection method: clinical testing. Allele origin: germline.

Labcorp Genetics (formerly Invitae), Labcorp
Classification: Uncertain significance for Hereditary breast ovarian cancer syndrome. Last evaluated: 2021-06-11. Review status: criteria provided, single submitter. Criteria: Invitae Variant Classification Sherloc (09022015). Collection method: clinical testing. Allele origin: germline.
Comment: This sequence change replaces methionine with arginine at codon 2831 of the BRCA2 protein (p.Met2831Arg). The methionine residue is highly conserved and there is a moderate physicochemical difference between methionine and arginine. This variant is not present in population databases (ExAC no frequency). This variant has not been reported in the literature in individuals with BRCA2-related conditions. ClinVar contains an entry for this variant (Variation ID: 822508). Advanced modeling of protein sequence and biophysical properties (such as structural, functional, and spatial information, amino acid conservation, physicochemical variation, residue mobility, and thermodynamic stability) performed at Invitae indicates that this missense variant is not expected to disrupt BRCA2 protein function. In summary, the available evidence is currently insufficient to determine the role of this variant in disease. Therefore, it has been classified as a Variant of Uncertain Significance.